The following is an entry in ClinVar:

ClinVar aggregate classification (germline): Uncertain significance (1 of 4 stars; one submission).

Conditions:
Inborn genetic diseases. Identifiers: MedGen C0950123, MeSH D030342.

Submission:

Ambry Genetics
Classification: Uncertain significance for Inborn genetic diseases. Last evaluated: 2025-05-21. Review status: criteria provided, single submitter. Criteria: Ambry Variant Classification Scheme 2023. Collection method: clinical testing. Allele origin: germline.
Comment: The p.D671G variant (also known as c.2012A>G), located in coding exon 22 of the FANCA gene, results from an A to G substitution at nucleotide position 2012. The aspartic acid at codon 671 is replaced by glycine, an amino acid with similar properties. This amino acid position is conserved. In addition, the in silico prediction for this alteration is inconclusive. Based on the available evidence, the clinical significance of this variant remains unclear.

NM_000135.4(FANCA):c.2012A>G (p.Asp671Gly)

Gene: FANCA (FA complementation group A; minus strand). Cytogenetic location: 16q24.3.
Variant type: single nucleotide variant.
Coding change: c.2012A>G on transcript NM_000135.4 (MANE Select); coding-DNA position 2012, A replaced by G.
Protein change: p.Asp671Gly; replaces aspartic acid 671 with glycine.
Molecular consequence: missense variant.
Genome position (GRCh38, 1-based): chr16:89,773,273, T>C on the plus strand (A>G on the coding strand, the complement: FANCA is on the minus strand). VCF-style: chr16-89773273-T-C. GRCh37 (hg19) VCF-style: chr16-89839681-T-C.
Other names: c.2012A>G, p.Asp671Gly (NM_001286167.3); short protein forms D671G.
Identifiers: ClinVar variation 4022293 (VCV004022293.1).